The following is an entry in ClinVar:

NM_001844.5(COL2A1):c.4375C>T (p.Arg1459Cys)

Gene: COL2A1 (collagen type II alpha 1 chain; minus strand). Cytogenetic location: 12q13.11.
Variant type: single nucleotide variant.
Coding change: c.4375C>T on transcript NM_001844.5 (MANE Select); coding-DNA position 4375, C replaced by T.
Protein change: p.Arg1459Cys; replaces arginine 1459 with cysteine.
Molecular consequence: missense variant.
Genome position (GRCh38, 1-based): chr12:47,973,496, G>A on the plus strand (C>T on the coding strand, the complement: COL2A1 is on the minus strand). VCF-style: chr12-47973496-G-A. GRCh37 (hg19) VCF-style: chr12-48367279-G-A.
Other names: c.4168C>T, p.Arg1390Cys (NM_033150.3); short protein forms R1459C, R1390C.
Identifiers: ClinVar variation 308903 (VCV000308903.16), dbSNP rs148838496, ClinGen allele CA6534469.
Genomic context (GRCh38, chr12:47,973,496, plus strand): 5'-CACCGAATTCCTGCTCGGGCCCTCCTATGTCCATGGGTGCAATGTCAATGATGGGGAGGC[G>A]TGAGGTCTTCTGTGACCGGTACTCGATAACAGTCTTGCCCCACTTACCGGTATGTTTCTA-3'
Protein context (NP_001835.3, residues 1449-1469): VIEYRSQKTS[Arg1459Cys]LPIIDIAPMD

ClinVar aggregate classification (germline): Conflicting classifications of pathogenicity. Review status: criteria provided, conflicting classifications (1 of 4 stars). 5 submissions from 4 submitters: Uncertain significance (3); Benign (1); Likely benign (1). Last evaluated 2025-04-07.

Conditions:
Type 2 collagenopathy. Identifiers: Orphanet 93421, MedGen C2931073, MONDO:0022800.
COL2A1-related disorder. Also called: COL2A1-related condition; COL2A1-related disorders.
Stickler syndrome type 1 (STL1). Also called: ARTHROOPHTHALMOPATHY, HEREDITARY PROGRESSIVE; STICKLER SYNDROME, MEMBRANOUS VITREOUS TYPE; STICKLER SYNDROME, VITREOUS TYPE 1; COL2A1-Related Stickler Syndrome. Identifiers: Orphanet 828, Orphanet 90653, MedGen C2020284, MONDO:0007160, OMIM 108300.

Allele frequency attached by ClinVar (database versions not stated): ExAC 0.00002; gnomAD exomes 0.00002; gnomAD 0.00005; TOPMed 0.00006; ESP Exome Variant Server 0.00015.
gnomAD v4.1: 42 of 1,614,014 alleles (0.0026%); highest among the groups gnomAD compares: African/African-American, 0.012%; no homozygotes.

Submissions (5):

Labcorp Genetics (formerly Invitae), Labcorp
Classification: Likely benign. Last evaluated: 2025-04-07. Review status: criteria provided, single submitter. Criteria: Invitae Variant Classification Sherloc (09022015). Collection method: clinical testing. Allele origin: germline.

PreventionGenetics, part of Exact Sciences
Classification: Uncertain significance for COL2A1-related condition. Last evaluated: 2024-12-01. Review status: criteria provided, single submitter. Criteria: ACMG Guidelines, 2015. Collection method: clinical testing. Allele origin: germline.
Comment: The COL2A1 c.4375C>T variant is predicted to result in the amino acid substitution p.Arg1459Cys. This variant has been reported in an individual with Stickler syndrome (Huang et al. 2020. PubMed ID: 32756486). This variant is present in 0.020% of alleles in individuals of African descent in gnomAD. At this time, the clinical significance of this variant is uncertain due to the absence of conclusive functional and genetic evidence.

GeneDx
Classification: Uncertain significance. Last evaluated: 2022-08-05. Review status: criteria provided, single submitter. Criteria: GeneDx Variant Classification Process June 2021. Collection method: clinical testing. Allele origin: germline. Affected: yes.
Comment: Not located in the triple helical region, where the majority of pathogenic missense variants occur (HGMD); In silico analysis supports that this missense variant has a deleterious effect on protein structure/function; This variant is associated with the following publications: (PMID: 32756486)

Illumina Laboratory Services, Illumina
Classification: Benign for Type II Collagenopathies. Last evaluated: 2018-01-13. Review status: criteria provided, single submitter. Criteria: ICSL Variant Classification Criteria 13 December 2019. Collection method: clinical testing. Allele origin: germline.
Comment: This variant was observed in the ICSL laboratory as part of a predisposition screen in an ostensibly healthy population. It had not been previously curated by ICSL or reported in the Human Gene Mutation Database (HGMD: prior to June 1st, 2018), and was therefore a candidate for classification through an automated scoring system. Utilizing variant allele frequency, disease prevalence and penetrance estimates, and inheritance mode, an automated score was calculated to assess if this variant is too frequent to cause the disease. Based on the score and internal cut-off values, a variant classified as benign is not then subjected to further curation. The score for this variant resulted in a classification of benign for this disease.

Illumina Laboratory Services, Illumina
Classification: Uncertain significance for Stickler syndrome type 1. Last evaluated: 2018-01-13. Review status: criteria provided, single submitter. Criteria: ICSL Variant Classification Criteria 13 December 2019. Collection method: clinical testing. Allele origin: germline.